The following is an entry in ClinVar:

NM_021098.3(CACNA1H):c.3040dup (p.Leu1014fs)

Gene: CACNA1H (calcium voltage-gated channel subunit alpha1 H; plus strand). Cytogenetic location: 16p13.3.
Variant type: Duplication.
Coding change: c.3040dup on transcript NM_021098.3 (MANE Select); coding-DNA position 3040, one base duplicated (C; older notation c.3040dupC).
Protein change: p.Leu1014fs; shifts the reading frame from leucine 1014.
Molecular consequence: frameshift variant.
Genome position (GRCh38, 1-based): chr16:1,207,407, C duplicated; the last of 2 consecutive C bases (chr16:1,207,406-1,207,407); duplicating either gives the same sequence. VCF-style (leftmost placement, unchanged base first): chr16-1207405-T-TC. GRCh37 (hg19) VCF-style: chr16-1257405-T-TC.
Other names: c.3040dup, p.Leu1014fs (NM_001005407.2); short protein forms L1014fs.
Identifiers: ClinVar variation 3753324 (VCV003753324.2).

ClinVar aggregate classification (germline): Uncertain significance (1 of 4 stars; one submission).

Conditions:
Idiopathic generalized epilepsy. Also called: Generalised epilepsy; EIG. Identifiers: MedGen C0270850, MONDO:0005579, OMIM 600669.
Hyperaldosteronism, familial, type IV (HALD4). Also called: FH IV; ALDOSTERONISM, PRIMARY, AND HYPERTENSION. Identifiers: Orphanet 642671, MedGen C4310756, MONDO:0014875, OMIM 617027.

Submission:

Labcorp Genetics (formerly Invitae), Labcorp
Classification: Uncertain significance for Idiopathic generalized epilepsy; Hyperaldosteronism, familial, type IV. Last evaluated: 2024-04-20. Review status: criteria provided, single submitter. Criteria: Invitae Variant Classification Sherloc (09022015). Collection method: clinical testing. Allele origin: germline.
Comment: This sequence change creates a premature translational stop signal (p.Leu1014Profs*151) in the CACNA1H gene. It is expected to result in an absent or disrupted protein product. However, the current clinical and genetic evidence is not sufficient to establish whether loss-of-function variants in CACNA1H cause disease. This variant is not present in population databases (gnomAD no frequency). This variant has not been reported in the literature in individuals affected with CACNA1H-related conditions. In summary, the available evidence is currently insufficient to determine the role of this variant in disease. Therefore, it has been classified as a Variant of Uncertain Significance.